The following is an entry in ClinVar:

NM_007272.3(CTRC):c.788A>G (p.Asn263Ser)

Gene: CTRC (chymotrypsin C; plus strand). Cytogenetic location: 1p36.21.
Variant type: single nucleotide variant.
Coding change: c.788A>G on transcript NM_007272.3 (MANE Select); coding-DNA position 788, A replaced by G.
Protein change: p.Asn263Ser; replaces asparagine 263 with serine.
Molecular consequence: missense variant.
Genome position (GRCh38, 1-based): chr1:15,445,745, A>G. VCF-style: chr1-15445745-A-G. GRCh37 (hg19) VCF-style: chr1-15772240-A-G.
Other names: short protein forms N263S.
Identifiers: ClinVar variation 1457894 (VCV001457894.11), dbSNP rs769975164, ClinGen allele CA613474.

ClinVar aggregate classification (germline): Conflicting classifications of pathogenicity. Review status: criteria provided, conflicting classifications (1 of 4 stars). 2 submissions from 2 submitters: Uncertain significance (1); Likely benign (1). Last evaluated 2026-01-04.

Conditions:
Hereditary pancreatitis (PCTT). Also called: PRSS1-Related Hereditary Pancreatitis; Hereditary chronic pancreatitis. Identifiers: Orphanet 676, MedGen C0238339, MONDO:0008185, OMIM 167800.

gnomAD v4.1: 33 of 1,614,000 alleles (0.002%); highest among the groups gnomAD compares: East Asian, 0.047%; no homozygotes.

Submissions (2):

Labcorp Genetics (formerly Invitae), Labcorp
Classification: Likely benign for Hereditary pancreatitis. Last evaluated: 2026-01-04. Review status: criteria provided, single submitter. Criteria: Invitae Variant Classification Sherloc (09022015). Collection method: clinical testing. Allele origin: germline.

Ambry Genetics
Classification: Uncertain significance for Hereditary pancreatitis. Last evaluated: 2025-06-24. Review status: criteria provided, single submitter. Criteria: Ambry Variant Classification Scheme 2023. Collection method: clinical testing. Allele origin: germline.
Comment: The p.N263S variant (also known as c.788A>G), located in coding exon 7 of the CTRC gene, results from an A to G substitution at nucleotide position 788. The asparagine at codon 263 is replaced by serine, an amino acid with highly similar properties. This alteration was identified in 1/126 Chinese individuals with chronic pancreatitis and was not identified in 90 controls (Chang MC et al. Pancreatology 2009 Apr;9(3):287-92). This amino acid position is not well conserved in available vertebrate species. In addition, this alteration is predicted to be tolerated by in silico analysis. Since supporting evidence is limited at this time, the clinical significance of this alteration remains unclear.